The following is an entry in ClinVar:

NM_182961.4(SYNE1):c.862G>A (p.Ala288Thr)

Gene: SYNE1 (spectrin repeat containing nuclear envelope protein 1; minus strand). Cytogenetic location: 6q25.2.
Variant type: single nucleotide variant.
Coding change: c.862G>A on transcript NM_182961.4 (MANE Select); coding-DNA position 862, G replaced by A.
Protein change: p.Ala288Thr; replaces alanine 288 with threonine.
Molecular consequence: missense variant.
Genome position (GRCh38, 1-based): chr6:152,502,659, C>T on the plus strand (G>A on the coding strand, the complement: SYNE1 is on the minus strand). VCF-style: chr6-152502659-C-T. GRCh37 (hg19) VCF-style: chr6-152823794-C-T.
Other names: p.Ala295Thr; c.883G>A, p.Ala295Thr (NM_033071.5); short protein forms A288T, A295T.
Identifiers: ClinVar variation 193750 (VCV000193750.53), dbSNP rs770907182, ClinGen allele CA239379.

ClinVar aggregate classification (germline): Uncertain significance. Review status: criteria provided, multiple submitters, no conflicts (2 of 4 stars). 7 submissions from 7 submitters: Uncertain significance (7). Last evaluated 2025-02-10.

Conditions:
Autosomal recessive ataxia, Beauce type. Also called: ATAXIA, RECESSIVE, OF BEAUCE; Spinocerebellar ataxia, autosomal recessive 8; SYNE1 Deficiency; SYNE1-Related Autosomal Recessive Cerebellar Ataxia. Identifiers: Orphanet 88644, MedGen C1853116, MONDO:0012549, OMIM 610743.
Emery-Dreifuss muscular dystrophy 4, autosomal dominant (EDMD4). Also called: EMERY-DREIFUSS MUSCULAR DYSTROPHY 4 WITH VARIABLE FEATURES. Identifiers: Orphanet 261, MedGen C2751807, MONDO:0013071, OMIM 612998.
Arthrogryposis multiplex congenita 3, myogenic type. Also called: ARTHROGRYPOSIS MULTIPLEX CONGENITA, MYOGENIC TYPE. Identifiers: MedGen C5193121, MONDO:0032778, OMIM 618484.

Allele frequency attached by ClinVar (database versions not stated): gnomAD exomes 0.00002 and 0.00005; gnomAD 0.00003 and 0.00004; ExAC 0.00004; TOPMed 0.00005.
gnomAD v4.1: 82 of 1,613,600 alleles (0.0051%); highest among the groups gnomAD compares: Non-Finnish European, 0.007%; no homozygotes.

Submissions (7):

Revvity Omics, Revvity
Classification: Uncertain significance. Last evaluated: 2025-02-10. Review status: criteria provided, single submitter. Criteria: ACMG Guidelines, 2015. Collection method: clinical testing. Allele origin: germline.

Mayo Clinic Laboratories, Mayo Clinic
Classification: Uncertain significance. Last evaluated: 2024-07-03. Review status: criteria provided, single submitter. Criteria: ACMG Guidelines, 2015. Collection method: clinical testing. Allele origin: germline. Observed: 1 variant allele.
Comment: BP4, PM2

Fulgent Genetics
Classification: Uncertain significance for Autosomal recessive ataxia, Beauce type; Emery-Dreifuss muscular dystrophy 4, autosomal dominant; Arthrogryposis multiplex congenita 3, myogenic type. Last evaluated: 2024-01-30. Review status: criteria provided, single submitter. Criteria: ACMG Guidelines, 2015. Collection method: clinical testing. Allele origin: germline.

Athena Diagnostics
Classification: Uncertain significance. Last evaluated: 2022-03-11. Review status: criteria provided, single submitter. Criteria: Athena Diagnostics Criteria. Collection method: clinical testing. Allele origin: unknown.

Labcorp Genetics (formerly Invitae), Labcorp
Classification: Uncertain significance for Emery-Dreifuss muscular dystrophy 4, autosomal dominant; Autosomal recessive ataxia, Beauce type. Last evaluated: 2022-02-25. Review status: criteria provided, single submitter. Criteria: Invitae Variant Classification Sherloc (09022015). Collection method: clinical testing. Allele origin: germline.
Comment: This sequence change replaces alanine, which is neutral and non-polar, with threonine, which is neutral and polar, at codon 295 of the SYNE1 protein (p.Ala295Thr). This variant is present in population databases (rs770907182, gnomAD 0.006%). This variant has not been reported in the literature in individuals affected with SYNE1-related conditions. ClinVar contains an entry for this variant (Variation ID: 193750). Algorithms developed to predict the effect of missense changes on protein structure and function output the following: SIFT: "Tolerated"; PolyPhen-2: "Benign"; Align-GVGD: "Class C0". The threonine amino acid residue is found in multiple mammalian species, which suggests that this missense change does not adversely affect protein function. In summary, the available evidence is currently insufficient to determine the role of this variant in disease. Therefore, it has been classified as a Variant of Uncertain Significance.

CeGaT Center for Human Genetics Tuebingen
Classification: Uncertain significance. Last evaluated: 2019-07-01. Review status: criteria provided, single submitter. Criteria: CeGaT Center For Human Genetics Tuebingen Variant Classification Criteria Version 2. Collection method: clinical testing. Allele origin: germline. Affected: yes. Observed: 1 variant allele.

Eurofins Ntd Llc (ga)
Classification: Uncertain significance. Last evaluated: 2015-05-21. Review status: criteria provided, single submitter. Criteria: EGL Classification Definitions 2015. Collection method: clinical testing. Allele origin: germline. Observed: 2 variant alleles, 2 heterozygotes.